The following is an entry in ClinVar:

ClinVar aggregate classification (germline): Pathogenic (1 of 4 stars; one submission).

Conditions:
Methylmalonic aciduria, cblB type (MACB). Also called: Methylmalonic acidemia cblB type; Vitamin B12-responsive methylmalonic acidemia type cblB; METHYLMALONIC ACIDURIA, VITAMIN B12-RESPONSIVE, DUE TO DEFECT IN SYNTHESIS OF ADENOSYLCOBALAMIN, cblB TYPE. Identifiers: Orphanet 28, Orphanet 79311, MedGen C1855102, MONDO:0009614, OMIM 251110.

Submission:

Myriad Genetics, Inc.
Classification: Pathogenic for Methylmalonic aciduria, cblB type. Last evaluated: 2025-02-03. Review status: criteria provided, single submitter. Criteria: Myriad Autosomal Dominant, Autosomal Recessive and X-Linked Classification Criteria (2023). Collection method: clinical testing. Allele origin: unknown.
Comment: NM_052845.3(MMAB):c.464_465delAG(Q155Lfs*63) is frameshift classified as pathogenic in the context of methylmalonic acidemia, cblB type. Q155Lfs*63 has not been observed in cases with relevant disease. Relevant functional assessments of this variant are not available in the literature. Q155Lfs*63 has not been observed in referenced population frequency databases. In summary, NM_052845.3(MMAB):c.464_465delAG(Q155Lfs*63) is frameshift in a gene where loss of function is a known mechanism of disease and is predicted to disrupt protein function. Please note: this variant was assessed in the context of healthy population screening.

NM_052845.4(MMAB):c.464_465del (p.Gln155fs)

Gene: MMAB (metabolism of cobalamin associated B; minus strand). Cytogenetic location: 12q24.11.
Variant type: Deletion.
Coding change: c.464_465del on transcript NM_052845.4 (MANE Select); coding-DNA positions 464 to 465, 2 bases deleted (AG; older notation c.464_465delAG).
Protein change: p.Gln155fs; shifts the reading frame from glutamine 155.
Molecular consequence: frameshift variant. On other transcripts: non-coding transcript variant (1).
Genome position (GRCh38, 1-based): chr12:109,561,474-109,561,475, CT deleted on the plus strand (AG on the coding strand, the reverse complement: MMAB is on the minus strand). VCF-style (leftmost placement, unchanged base first): chr12-109561473-ACT-A. GRCh37 (hg19) VCF-style: chr12-109999278-ACT-A.
Other names: short protein forms Q155fs.
Identifiers: ClinVar variation 4081735 (VCV004081735.1).